The following is an entry in ClinVar:

ClinVar aggregate classification (germline): Uncertain significance. Review status: criteria provided, multiple submitters, no conflicts (2 of 4 stars). 2 submissions from 2 submitters: Uncertain significance (2). Last evaluated 2025-03-21.

Allele frequency attached by ClinVar (database versions not stated): gnomAD 0.00001.
gnomAD v4.1: 27 of 1,562,280 alleles (0.0017%); highest among the groups gnomAD compares: East Asian, 0.0072%; no homozygotes.

Submissions (2):

Ambry Genetics
Classification: Uncertain significance. Last evaluated: 2025-03-21. Review status: criteria provided, single submitter. Criteria: Ambry Variant Classification Scheme 2023. Collection method: clinical testing. Allele origin: germline.

Labcorp Genetics (formerly Invitae), Labcorp
Classification: Uncertain significance. Last evaluated: 2022-11-23. Review status: criteria provided, single submitter. Criteria: Invitae Variant Classification Sherloc (09022015). Collection method: clinical testing. Allele origin: germline.
Comment: This sequence change replaces threonine, which is neutral and polar, with isoleucine, which is neutral and non-polar, at codon 197 of the TNFRSF6B protein (p.Thr197Ile). This variant is present in population databases (no rsID available, gnomAD 0.02%). This variant has not been reported in the literature in individuals affected with TNFRSF6B-related conditions. Algorithms developed to predict the effect of missense changes on protein structure and function (SIFT, PolyPhen-2, Align-GVGD) all suggest that this variant is likely to be tolerated. In summary, the available evidence is currently insufficient to determine the role of this variant in disease. Therefore, it has been classified as a Variant of Uncertain Significance.

NM_003823.4(TNFRSF6B):c.590C>T (p.Thr197Ile)

Genes: RTEL1-TNFRSF6B (RTEL1-TNFRSF6B readthrough (NMD candidate); plus strand), TNFRSF6B (TNF receptor superfamily member 6b; plus strand). Cytogenetic location: 20q13.33.
Variant type: single nucleotide variant.
Coding change: c.590C>T on transcript NM_003823.4 (MANE Select); coding-DNA position 590, C replaced by T.
Protein change: p.Thr197Ile; replaces threonine 197 with isoleucine.
Molecular consequence: missense variant. On other transcripts: non-coding transcript variant (1).
Genome position (GRCh38, 1-based): chr20:63,697,493, C>T. VCF-style: chr20-63697493-C-T. GRCh37 (hg19) VCF-style: chr20-62328846-C-T.
Other names: c.590C>T (NM_003823.3); short protein forms T197I.
Identifiers: ClinVar variation 2780066 (VCV002780066.4), dbSNP rs1226205080, ClinGen allele CA409711770.